The following is an entry in ClinVar:

NM_001953.5(TYMP):c.859G>A (p.Val287Met)

Gene: TYMP (thymidine phosphorylase; minus strand). Cytogenetic location: 22q13.33.
Variant type: single nucleotide variant.
Coding change: c.859G>A on transcript NM_001953.5 (MANE Select); coding-DNA position 859, G replaced by A.
Protein change: p.Val287Met; replaces valine 287 with methionine.
Molecular consequence: missense variant.
Genome position (GRCh38, 1-based): chr22:50,526,645, C>T on the plus strand (G>A on the coding strand, the complement: TYMP is on the minus strand). VCF-style: chr22-50526645-C-T. GRCh37 (hg19) VCF-style: chr22-50965074-C-T.
Other names: p.Val287Met; c.859G>A, p.Val287Met (LRG_727t1, LRG_727t2, NM_001113755.3 and 3 more transcripts); c.859G>A (NM_001953.3); short protein forms V287M.
Identifiers: ClinVar variation 342144 (VCV000342144.12), dbSNP rs781064742, ClinGen allele CA10321548.

ClinVar aggregate classification (germline): Uncertain significance. Review status: criteria provided, multiple submitters, no conflicts (2 of 4 stars). 7 submissions from 7 submitters: Uncertain significance (7). Last evaluated 2025-12-03.

Conditions:
Mitochondrial DNA depletion syndrome 1. Also called: Mitochondrial neurogastrointestinal encephalomyopathy syndrome; Mitochondrial Neurogastrointestinal Encephalopathy Disease; MITOCHONDRIAL NEUROGASTROINTESTINAL ENCEPHALOPATHY SYNDROME, TYMP-RELATED; MNGIE, TYMP-RELATED; Mitochondrial DNA Depletion Syndrome, MNGIE Form; POLIP SYNDROME. Identifiers: Orphanet 298, MedGen C4551995, MONDO:0011283, OMIM 603041.

Allele frequency attached by ClinVar (database versions not stated): ExAC below 0.00001; gnomAD exomes 0.00004 and 0.00008; gnomAD 0.00009; TOPMed 0.00009.

Submissions (7):

GeneDx
Classification: Uncertain significance. Last evaluated: 2025-12-03. Review status: criteria provided, single submitter. Criteria: GeneDx Variant Classification Process June 2021. Collection method: clinical testing. Allele origin: germline.
Comment: Not observed at significant frequency in large population cohorts (gnomAD); In silico analysis suggests that this missense variant does not alter protein structure/function; Has not been previously published as pathogenic or benign to our knowledge

Blueprint Genetics
Classification: Uncertain significance. Last evaluated: 2024-09-10. Review status: criteria provided, single submitter. Criteria: ACMG Guidelines, 2015. Collection method: clinical testing. Allele origin: germline.

Mayo Clinic Laboratories, Mayo Clinic
Classification: Uncertain significance. Last evaluated: 2024-07-01. Review status: criteria provided, single submitter. Criteria: ACMG Guidelines, 2015. Collection method: clinical testing. Allele origin: germline. Observed: 1 variant allele.

Labcorp Genetics (formerly Invitae), Labcorp
Classification: Uncertain significance. Last evaluated: 2022-07-11. Review status: criteria provided, single submitter. Criteria: Invitae Variant Classification Sherloc (09022015). Collection method: clinical testing. Allele origin: germline.
Comment: This sequence change replaces valine, which is neutral and non-polar, with methionine, which is neutral and non-polar, at codon 287 of the TYMP protein (p.Val287Met). The frequency data for this variant in the population databases is considered unreliable, as metrics indicate poor data quality at this position in the gnomAD database. This variant has not been reported in the literature in individuals affected with TYMP-related conditions. ClinVar contains an entry for this variant (Variation ID: 342144). Advanced modeling of protein sequence and biophysical properties (such as structural, functional, and spatial information, amino acid conservation, physicochemical variation, residue mobility, and thermodynamic stability) performed at Invitae indicates that this missense variant is expected to disrupt TYMP protein function. In summary, the available evidence is currently insufficient to determine the role of this variant in disease. Therefore, it has been classified as a Variant of Uncertain Significance.

Fulgent Genetics
Classification: Uncertain significance for Mitochondrial DNA depletion syndrome 1. Last evaluated: 2021-09-08. Review status: criteria provided, single submitter. Criteria: ACMG Guidelines, 2015. Collection method: clinical testing. Allele origin: unknown.

Baylor Genetics
Classification: Uncertain significance for Mitochondrial DNA depletion syndrome 1. Last evaluated: 2019-06-13. Review status: criteria provided, single submitter. Criteria: ACMG Guidelines, 2015. Collection method: clinical testing. Allele origin: unknown. Affected: yes.
Comment: This variant was determined to be of uncertain significance according to ACMG Guidelines, 2015 [PMID:25741868].

Illumina Laboratory Services, Illumina
Classification: Uncertain significance for Mitochondrial DNA depletion syndrome 1. Last evaluated: 2018-01-13. Review status: criteria provided, single submitter. Criteria: ICSL Variant Classification Criteria 13 December 2019. Collection method: clinical testing. Allele origin: germline.